The following is an entry in ClinVar:

NM_001391957.1(FHAD1):c.2982G>A (p.Pro994=)

Gene: FHAD1 (forkhead associated phosphopeptide binding domain 1; plus strand). Cytogenetic location: 1p36.21.
Variant type: single nucleotide variant.
Coding change: c.2982G>A on transcript NM_001391957.1 (MANE Select); coding-DNA position 2982, G replaced by A.
Protein change: p.Pro994=; no amino-acid change (proline 994 retained).
Molecular consequence: synonymous variant.
Genome position (GRCh38, 1-based): chr1:15,362,661, G>A. VCF-style: chr1-15362661-G-A. GRCh37 (hg19) VCF-style: chr1-15689157-G-A.
Other names: c.2916G>A, p.Pro972= (NM_052929.2).
Identifiers: ClinVar variation 2638291 (VCV002638291.24), dbSNP rs557275213, ClinGen allele CA612664.

ClinVar aggregate classification (germline): Likely benign (1 of 4 stars; one submission).

Allele frequency attached by ClinVar (database versions not stated): 1000 Genomes Project 0.00020; 1000 Genomes Project 30x 0.00031.
gnomAD v4.1: 39 of 1,551,760 alleles (0.0025%); highest among the groups gnomAD compares: Middle Eastern, 0.033%; no homozygotes.

Submission:

CeGaT Center for Human Genetics Tuebingen
Classification: Likely benign. Last evaluated: 2022-12-01. Review status: criteria provided, single submitter. Criteria: CeGaT Center For Human Genetics Tuebingen Variant Classification Criteria Version 2. Collection method: clinical testing. Allele origin: germline. Affected: yes. Observed: 1 variant allele.
Comment: FHAD1: BP4, BP7